The following is an entry in ClinVar:

ClinVar aggregate classification (germline): Likely benign (1 of 4 stars; one submission).

Allele frequency attached by ClinVar (database versions not stated): gnomAD exomes below 0.00001 and 0.00001; ESP Exome Variant Server 0.00008.
gnomAD v4.1: 1 of 1,612,782 alleles (0.000062%); highest among the groups gnomAD compares: Non-Finnish European, 0.000085%; no homozygotes.

Submission:

GeneDx
Classification: Likely benign. Last evaluated: 2016-02-23. Review status: criteria provided, single submitter. Criteria: GeneDx Variant Classification (06012015). Collection method: clinical testing. Allele origin: germline. Affected: yes.
Comment: This variant is considered likely benign or benign based on one or more of the following criteria: it is a conservative change, it occurs at a poorly conserved position in the protein, it is predicted to be benign by multiple in silico algorithms, and/or has population frequency not consistent with disease.

NM_006416.5(SLC35A1):c.354+19A>G

Gene: SLC35A1 (solute carrier family 35 member A1; plus strand). Cytogenetic location: 6q15.
Variant type: single nucleotide variant.
Coding change: c.354+19A>G on transcript NM_006416.5 (MANE Select); 19 bases into the intron after coding-DNA position 354, A replaced by G.
Molecular consequence: intron variant.
Genome position (GRCh38, 1-based): chr6:87,500,686, A>G. VCF-style: chr6-87500686-A-G. GRCh37 (hg19) VCF-style: chr6-88210404-A-G.
Other names: c.354+19A>G (NM_001168398.2).
Identifiers: ClinVar variation 383487 (VCV000383487.1), dbSNP rs377549943, ClinGen allele CA16605166.